The following is an entry in ClinVar:

NM_001286577.2(C2CD3):c.4009G>A (p.Gly1337Arg)

Gene: C2CD3 (C2 domain containing 3 centriole elongation regulator; minus strand). Cytogenetic location: 11q13.4.
Variant type: single nucleotide variant.
Coding change: c.4009G>A on transcript NM_001286577.2 (MANE Select); coding-DNA position 4009, G replaced by A.
Protein change: p.Gly1337Arg; replaces glycine 1337 with arginine.
Molecular consequence: missense variant.
Genome position (GRCh38, 1-based): chr11:74,078,709, C>T on the plus strand (G>A on the coding strand, the complement: C2CD3 is on the minus strand). VCF-style: chr11-74078709-C-T. GRCh37 (hg19) VCF-style: chr11-73789754-C-T.
Other names: c.4009G>A, p.Gly1337Arg (NM_015531.6); c.4009G>A (NM_015531.4); short protein forms G1337R.
Identifiers: ClinVar variation 2077499 (VCV002077499.4), dbSNP rs767852213, ClinGen allele CA6182227.

ClinVar aggregate classification (germline): Uncertain significance. Review status: criteria provided, multiple submitters, no conflicts (2 of 4 stars). 2 submissions from 2 submitters: Uncertain significance (2). Last evaluated 2025-07-13.

Conditions:
Inborn genetic diseases. Identifiers: MedGen C0950123, MeSH D030342.

Allele frequency attached by ClinVar (database versions not stated): gnomAD 0.00001; TOPMed 0.00001; ExAC 0.00002; gnomAD exomes 0.00002.
gnomAD v4.1: 24 of 1,594,308 alleles (0.0015%); highest among the groups gnomAD compares: Admixed American, 0.0036%; no homozygotes.

Submissions (2):

Ambry Genetics
Classification: Uncertain significance for Inborn genetic diseases. Last evaluated: 2025-07-13. Review status: criteria provided, single submitter. Criteria: Ambry Variant Classification Scheme 2023. Collection method: clinical testing. Allele origin: germline.

Labcorp Genetics (formerly Invitae), Labcorp
Classification: Uncertain significance. Last evaluated: 2023-08-24. Review status: criteria provided, single submitter. Criteria: Invitae Variant Classification Sherloc (09022015). Collection method: clinical testing. Allele origin: germline.
Comment: This variant has not been reported in the literature in individuals affected with C2CD3-related conditions. This variant is present in population databases (rs767852213, gnomAD 0.004%). This sequence change replaces glycine, which is neutral and non-polar, with arginine, which is basic and polar, at codon 1337 of the C2CD3 protein (p.Gly1337Arg). ClinVar contains an entry for this variant (Variation ID: 2077499). In summary, the available evidence is currently insufficient to determine the role of this variant in disease. Therefore, it has been classified as a Variant of Uncertain Significance. Advanced modeling of protein sequence and biophysical properties (such as structural, functional, and spatial information, amino acid conservation, physicochemical variation, residue mobility, and thermodynamic stability) performed at Invitae indicates that this missense variant is expected to disrupt C2CD3 protein function.